The following is an entry in ClinVar:

ClinVar aggregate classification (germline): Pathogenic (1 of 4 stars; one submission).

Conditions:
Duchenne muscular dystrophy (DMD). Also called: MUSCULAR DYSTROPHY, PSEUDOHYPERTROPHIC PROGRESSIVE, DUCHENNE TYPE; Duchenne Muscular Dystrophy (DMD). Identifiers: Orphanet 98896, MedGen C0013264, MONDO:0010679, OMIM 310200.

Submission:

Labcorp Genetics (formerly Invitae), Labcorp
Classification: Pathogenic for Duchenne muscular dystrophy. Last evaluated: 2023-01-23. Review status: criteria provided, single submitter. Criteria: Invitae Variant Classification Sherloc (09022015). Collection method: clinical testing. Allele origin: germline.
Comment: This sequence change affects a donor splice site in intron 52 of the DMD gene. It is expected to disrupt RNA splicing. Variants that disrupt the donor or acceptor splice site typically lead to a loss of protein function (PMID: 16199547), and loss-of-function variants in DMD are known to be pathogenic (PMID: 16770791, 25007885). This variant is not present in population databases (gnomAD no frequency). For these reasons, this variant has been classified as Pathogenic. Algorithms developed to predict the effect of sequence changes on RNA splicing suggest that this variant may disrupt the consensus splice site. Disruption of this splice site has been observed in individuals with Duchenne muscular dystrophy (PMID: 19937601, 33420945).

Literature cited by the submitters: PubMed 16199547; PubMed 16770791; PubMed 25007885; PubMed 19937601; PubMed 33420945.

NM_004006.3(DMD):c.7660+2T>G

Gene: DMD (dystrophin; minus strand). Cytogenetic location: Xp21.1.
Variant type: single nucleotide variant.
Coding change: c.7660+2T>G on transcript NM_004006.3 (MANE Select); the canonical splice donor site of the intron after coding-DNA position 7660, T replaced by G.
Molecular consequence: splice donor variant.
Genome position (GRCh38, 1-based): chrX:31,729,629, A>C on the plus strand (T>G on the coding strand, the complement: DMD is on the minus strand). VCF-style: chrX-31729629-A-C. GRCh37 (hg19) VCF-style: chrX-31747746-A-C.
Other names: c.7636+2T>G (NM_000109.4); c.3637+2T>G (NM_004011.4); c.3628+2T>G (NM_004012.4); c.280+2T>G (NM_004023.3, NM_004020.4, NM_004022.3 and 2 more transcripts); c.7648+2T>G (NM_004009.3); c.7291+2T>G (NM_004010.3).
Identifiers: ClinVar variation 2028179 (VCV002028179.4), dbSNP rs2530032498, ClinGen allele CA412657465.
Genomic context (GRCh38, chrX:31,729,629, plus strand): 5'-GTTTTTATTGAAACTTGTCATGCATCTTGCTTTGTGTGTCCCATGCTTGTTAAAAAACTT[A>C]CTTCGATCCGTAATGATTGTTCTAGCCTCTTGATTGCTGGTCTTGTTTTTCAAATTTTGG-3'